The following is an entry in ClinVar:

NM_001008537.3(NEXMIF):c.4142T>A (p.Ile1381Asn)

Gene: NEXMIF (neurite extension and migration factor; minus strand). Cytogenetic location: Xq13.3.
Variant type: single nucleotide variant.
Coding change: c.4142T>A on transcript NM_001008537.3 (MANE Select); coding-DNA position 4142, T replaced by A.
Protein change: p.Ile1381Asn; replaces isoleucine 1381 with asparagine.
Molecular consequence: missense variant.
Genome position (GRCh38, 1-based): chrX:74,740,415, A>T on the plus strand (T>A on the coding strand, the complement: NEXMIF is on the minus strand). VCF-style: chrX-74740415-A-T. GRCh37 (hg19) VCF-style: chrX-73960250-A-T.
Other names: short protein forms I1381N.
Identifiers: ClinVar variation 935321 (VCV000935321.9), dbSNP rs2080098457, ClinGen allele CA413663934.

ClinVar aggregate classification (germline): Uncertain significance (1 of 4 stars; one submission).

Allele frequency attached by ClinVar (database versions not stated): gnomAD exomes below 0.00001.
gnomAD v4.1: 1 of 1,211,046 alleles (0.000083%); highest among the groups gnomAD compares: Non-Finnish European, 0.00011%; no homozygotes.

Submission:

Labcorp Genetics (formerly Invitae), Labcorp
Classification: Uncertain significance. Last evaluated: 2022-03-19. Review status: criteria provided, single submitter. Criteria: Invitae Variant Classification Sherloc (09022015). Collection method: clinical testing. Allele origin: germline.
Comment: ClinVar contains an entry for this variant (Variation ID: 935321). This variant has not been reported in the literature in individuals affected with NEXMIF-related conditions. This variant is not present in population databases (gnomAD no frequency). This sequence change replaces isoleucine, which is neutral and non-polar, with asparagine, which is neutral and polar, at codon 1381 of the NEXMIF protein (p.Ile1381Asn). Algorithms developed to predict the effect of missense changes on protein structure and function are either unavailable or do not agree on the potential impact of this missense change (SIFT: "Deleterious"; PolyPhen-2: "Benign"; Align-GVGD: "Class C15"). In summary, the available evidence is currently insufficient to determine the role of this variant in disease. Therefore, it has been classified as a Variant of Uncertain Significance.